The following is an entry in ClinVar:

NM_000260.4(MYO7A):c.1885C>T (p.Gln629Ter)

Gene: MYO7A (myosin VIIA; plus strand). Cytogenetic location: 11q13.5.
Variant type: single nucleotide variant.
Coding change: c.1885C>T on transcript NM_000260.4 (MANE Select); coding-DNA position 1885, C replaced by T.
Protein change: p.Gln629Ter; replaces glutamine 629 with a stop codon.
Molecular consequence: nonsense.
Genome position (GRCh38, 1-based): chr11:77,172,835, C>T. VCF-style: chr11-77172835-C-T. GRCh37 (hg19) VCF-style: chr11-76883881-C-T.
Other names: c.1885C>T, p.Gln629Ter (NM_001127180.2); c.1852C>T, p.Gln618Ter (NM_001369365.1); short protein forms Q618*, Q629*.
Identifiers: ClinVar variation 983799 (VCV000983799.8), dbSNP rs1954248090, ClinGen allele CA381938506.

ClinVar aggregate classification (germline): Pathogenic/Likely pathogenic. Review status: criteria provided, multiple submitters, no conflicts (2 of 4 stars). 2 submissions from 2 submitters: Pathogenic (1); Likely pathogenic (1). Last evaluated 2023-04-18.

Conditions:
Usher syndrome type 1 (USH1). Also called: RETINITIS PIGMENTOSA AND CONGENITAL DEAFNESS. Identifiers: Orphanet 231169, Orphanet 886, MedGen C1568247, MONDO:0010168, OMIM 276900.

Allele frequency attached by ClinVar (database versions not stated): gnomAD exomes below 0.00001.
gnomAD v4.1: 1 of 1,552,532 alleles (0.000064%); highest among the groups gnomAD compares: Non-Finnish European, 0.000087%; no homozygotes.

Submissions (2):

Labcorp Genetics (formerly Invitae), Labcorp
Classification: Pathogenic. Last evaluated: 2023-04-18. Review status: criteria provided, single submitter. Criteria: Invitae Variant Classification Sherloc (09022015). Collection method: clinical testing. Allele origin: germline.
Comment: This sequence change creates a premature translational stop signal (p.Gln629*) in the MYO7A gene. It is expected to result in an absent or disrupted protein product. Loss-of-function variants in MYO7A are known to be pathogenic (PMID: 8900236, 25404053). This variant is not present in population databases (gnomAD no frequency). For these reasons, this variant has been classified as Pathogenic. ClinVar contains an entry for this variant (Variation ID: 983799). This variant has not been reported in the literature in individuals affected with MYO7A-related conditions.

Myriad Genetics, Inc.
Classification: Likely pathogenic for Usher syndrome type 1. Last evaluated: 2020-02-19. Review status: criteria provided, single submitter. Criteria: Myriad Women's Health Autosomal Recessive and X-Linked Classification Criteria (2019). Collection method: clinical testing. Allele origin: unknown.
Comment: NM_000260.3(MYO7A):c.1885C>T(Q629*) is expected to be pathogenic in the context of MYO7A-related disorders. This variant is predicted to lead to an abnormal or absent protein product due to the creation of a premature termination codon in MYO7A, a gene where loss-of-function variants are known to be pathogenic. Please note: this variant was assessed in the context of healthy population screening.

Literature cited by the submitters: PubMed 8900236 (cited by Labcorp Genetics (formerly Invitae), Labcorp); PubMed 25404053 (cited by Labcorp Genetics (formerly Invitae), Labcorp).